The following is an entry in ClinVar:

ClinVar aggregate classification (germline): Uncertain significance (1 of 4 stars; one submission).

Conditions:
Pseudo-Hurler polydystrophy. Also called: MUCOLIPIDOSIS IIIA; ML III; ML III ALPHA/BETA; Type III Mucolipidosis; ML IIIA; Mucolipidosis III Alpha/Beta. Identifiers: Orphanet 423461, Orphanet 577, MedGen C0033788, MONDO:0018931, OMIM 252600.
Mucolipidosis type II. Also called: Mucolipidosis II Alpha/Beta; ML II ALPHA/BETA; Mucolipidosis 2; ML 2; Inclusion cell disease; Leroy Disease. Identifiers: Orphanet 576, MedGen C2673377, MONDO:0009650, OMIM 252500.

Submission:

Labcorp Genetics (formerly Invitae), Labcorp
Classification: Uncertain significance for Pseudo-Hurler polydystrophy; Mucolipidosis type II. Last evaluated: 2022-05-28. Review status: criteria provided, single submitter. Criteria: Invitae Variant Classification Sherloc (09022015). Collection method: clinical testing. Allele origin: germline.
Comment: This sequence change replaces aspartic acid, which is acidic and polar, with valine, which is neutral and non-polar, at codon 886 of the GNPTAB protein (p.Asp886Val). This variant is not present in population databases (gnomAD no frequency). This variant has not been reported in the literature in individuals affected with GNPTAB-related conditions. Advanced modeling of protein sequence and biophysical properties (such as structural, functional, and spatial information, amino acid conservation, physicochemical variation, residue mobility, and thermodynamic stability) performed at Invitae indicates that this missense variant is not expected to disrupt GNPTAB protein function. In summary, the available evidence is currently insufficient to determine the role of this variant in disease. Therefore, it has been classified as a Variant of Uncertain Significance.

NM_024312.5(GNPTAB):c.2657A>T (p.Asp886Val)

Gene: GNPTAB (N-acetylglucosamine-1-phosphate transferase subunits alpha and beta; minus strand). Cytogenetic location: 12q23.2.
Variant type: single nucleotide variant.
Coding change: c.2657A>T on transcript NM_024312.5 (MANE Select); coding-DNA position 2657, A replaced by T.
Protein change: p.Asp886Val; replaces aspartic acid 886 with valine.
Molecular consequence: missense variant.
Genome position (GRCh38, 1-based): chr12:101,764,260, T>A on the plus strand (A>T on the coding strand, the complement: GNPTAB is on the minus strand). VCF-style: chr12-101764260-T-A. GRCh37 (hg19) VCF-style: chr12-102158038-T-A.
Other names: short protein forms D886V.
Identifiers: ClinVar variation 1923593 (VCV001923593.2), dbSNP rs1953050054, ClinGen allele CA386297582.